The following is an entry in ClinVar:

NM_016239.4(MYO15A):c.5007+15C>G

Gene: MYO15A (myosin XVA; plus strand). Cytogenetic location: 17p11.2.
Variant type: single nucleotide variant.
Coding change: c.5007+15C>G on transcript NM_016239.4 (MANE Select); 15 bases into the intron after coding-DNA position 5007, C replaced by G.
Molecular consequence: intron variant.
Genome position (GRCh38, 1-based): chr17:18,138,261, C>G. VCF-style: chr17-18138261-C-G. GRCh37 (hg19) VCF-style: chr17-18041575-C-G.
Identifiers: ClinVar variation 505309 (VCV000505309.4), dbSNP rs891826719, ClinGen allele CA658798726.

ClinVar aggregate classification (germline): Likely benign (1 of 4 stars; one submission).

Submission:

Laboratory for Molecular Medicine, Mass General Brigham Personalized Medicine
Classification: Likely benign. Last evaluated: 2016-08-18. Review status: criteria provided, single submitter. Criteria: LMM Criteria. Collection method: clinical testing. Allele origin: germline. Observed: 1 variant allele.
Comment: c.5007+15C>G in intron 17 of MYO15A: This variant is not expected to have clinic al significance because it is not located within the splice consensus sequence a nd computational tools do not predict an impact on splicing.